The following is an entry in ClinVar:

ClinVar aggregate classification (germline): Uncertain significance. Review status: criteria provided, multiple submitters, no conflicts (2 of 4 stars). 2 submissions from 2 submitters: Uncertain significance (2). Last evaluated 2025-03-14.

Conditions:
Inborn genetic diseases. Identifiers: MedGen C0950123, MeSH D030342.
Xeroderma pigmentosum (XP). Identifiers: Orphanet 910, MedGen C0043346, MONDO:0019600.

Allele frequency attached by ClinVar (database versions not stated): gnomAD 0.00001.

Submissions (2):

Ambry Genetics
Classification: Uncertain significance for Inborn genetic diseases. Last evaluated: 2025-03-14. Review status: criteria provided, single submitter. Criteria: Ambry Variant Classification Scheme 2023. Collection method: clinical testing. Allele origin: germline.

Sema4
Classification: Uncertain significance for Xeroderma pigmentosum. Last evaluated: 2021-08-09. Review status: criteria provided, single submitter. Criteria: Sema4 Curation Guidelines. Collection method: curation. Allele origin: germline.
Comment: The XPC c.2655T>A (p.D885E) variant has not been reported in the literature to our knowledge. It was not observed the large and broad cohorts of the Genome Aggregation Database (PMID: 32461654) and has not been reported in ClinVar. Functional studies have not been performed, and in silico predictions of the variant's effect on protein function are inconclusive. The evidence is insufficient to meet ACMG/AMP criteria for classifying the variant as benign or pathogenic. Thus, the clinical significance of this variant is currently uncertain.

NM_004628.5(XPC):c.2655T>A (p.Asp885Glu)

Gene: XPC (XPC complex subunit, DNA damage recognition and repair factor; minus strand). Cytogenetic location: 3p25.1.
Variant type: single nucleotide variant.
Coding change: c.2655T>A on transcript NM_004628.5 (MANE Select); coding-DNA position 2655, T replaced by A.
Protein change: p.Asp885Glu; replaces aspartic acid 885 with glutamic acid.
Molecular consequence: missense variant. On other transcripts: non-coding transcript variant (2).
Genome position (GRCh38, 1-based): chr3:14,146,109, A>T on the plus strand (T>A on the coding strand, the complement: XPC is on the minus strand). VCF-style: chr3-14146109-A-T. GRCh37 (hg19) VCF-style: chr3-14187609-A-T.
Other names: c.2076T>A, p.Asp692Glu (NM_001354726.2); c.2649T>A, p.Asp883Glu (NM_001354727.2); c.2637T>A, p.Asp879Glu (NM_001354729.2); c.2409T>A, p.Asp803Glu (NM_001354730.2); short protein forms D692E, D803E, D879E, D883E, D885E.
Identifiers: ClinVar variation 1692828 (VCV001692828.2), dbSNP rs776266193, ClinGen allele CA69740519.